The following is an entry in ClinVar:

ClinVar aggregate classification (germline): Uncertain significance (1 of 4 stars; one submission).

Conditions:
Dilated cardiomyopathy 1J (CMD1J). Also called: CARDIOMYOPATHY, DILATED, WITH SENSORINEURAL HEARING LOSS, AUTOSOMAL DOMINANT. Identifiers: Orphanet 217622, MedGen C1854368, MONDO:0011541, OMIM 605362.

Submission:

Labcorp Genetics (formerly Invitae), Labcorp
Classification: Uncertain significance for Dilated cardiomyopathy 1J. Last evaluated: 2024-04-12. Review status: criteria provided, single submitter. Criteria: Invitae Variant Classification Sherloc (09022015). Collection method: clinical testing. Allele origin: germline.
Comment: This sequence change replaces proline, which is neutral and non-polar, with serine, which is neutral and polar, at codon 191 of the EYA4 protein (p.Pro191Ser). This variant is not present in population databases (gnomAD no frequency). This variant has not been reported in the literature in individuals affected with EYA4-related conditions. An algorithm developed to predict the effect of missense changes on protein structure and function (PolyPhen-2) suggests that this variant is likely to be tolerated. In summary, the available evidence is currently insufficient to determine the role of this variant in disease. Therefore, it has been classified as a Variant of Uncertain Significance.

NM_004100.5(EYA4):c.571C>T (p.Pro191Ser)

Gene: EYA4 (EYA transcriptional coactivator and phosphatase 4; plus strand). Cytogenetic location: 6q23.2.
Variant type: single nucleotide variant.
Coding change: c.571C>T on transcript NM_004100.5 (MANE Select); coding-DNA position 571, C replaced by T.
Protein change: p.Pro191Ser; replaces proline 191 with serine.
Molecular consequence: missense variant.
Genome position (GRCh38, 1-based): chr6:133,462,468, C>T. VCF-style: chr6-133462468-C-T. GRCh37 (hg19) VCF-style: chr6-133783606-C-T.
Other names: c.409C>T, p.Pro137Ser (NM_001301012.2, NM_001370459.1); c.571C>T, p.Pro191Ser (NM_001301013.2, NM_172105.4); c.502C>T, p.Pro168Ser (NM_001370458.1, NM_172103.4); short protein forms P168S, P137S, P191S.
Identifiers: ClinVar variation 3649651 (VCV003649651.2).